The following is an entry in ClinVar:

ClinVar aggregate classification (germline): Pathogenic/Likely pathogenic. Review status: criteria provided, multiple submitters, no conflicts (2 of 4 stars). 2 submissions from 2 submitters: Pathogenic (1); Likely pathogenic (1). Last evaluated 2025-09-23.

Conditions:
Multiple acyl-CoA dehydrogenase deficiency (MADD). Also called: Glutaric acidemia type II; GA 2; ETHYLMALONIC-ADIPICACIDURIA; GA II; Glutaric Acidemia type 2; Glutaric aciduria, type 2. Identifiers: Orphanet 26791, MedGen C0268596, MONDO:0009282, OMIM 231680.

Submissions (2):

Labcorp Genetics (formerly Invitae), Labcorp
Classification: Pathogenic for Multiple acyl-CoA dehydrogenase deficiency. Last evaluated: 2025-09-23. Review status: criteria provided, single submitter. Criteria: Invitae Variant Classification Sherloc (09022015). Collection method: clinical testing. Allele origin: germline.
Comment: This sequence change creates a premature translational stop signal (p.Ile108Leufs*20) in the ETFA gene. It is expected to result in an absent or disrupted protein product. Loss-of-function variants in ETFA are known to be pathogenic (PMID: 16510302, 23785301). This variant is not present in population databases (gnomAD no frequency). This variant has not been reported in the literature in individuals affected with ETFA-related conditions. For these reasons, this variant has been classified as Pathogenic.

Baylor Genetics
Classification: Likely pathogenic for Multiple acyl-CoA dehydrogenase deficiency. Last evaluated: 2024-02-15. Review status: criteria provided, single submitter. Criteria: ACMG Guidelines, 2015. Collection method: clinical testing. Allele origin: unknown.

Literature cited by the submitters: PubMed 16510302 (cited by Labcorp Genetics (formerly Invitae), Labcorp); PubMed 23785301 (cited by Labcorp Genetics (formerly Invitae), Labcorp).

NM_000126.4(ETFA):c.321_322del (p.Ile108fs)

Gene: ETFA (electron transfer flavoprotein subunit alpha; minus strand). Cytogenetic location: 15q24.2.
Variant type: Microsatellite.
Coding change: c.321_322del on transcript NM_000126.4 (MANE Select); coding-DNA positions 321 to 322, 2 bases deleted (CA; older notation c.321_322delCA).
Protein change: p.Ile108fs; shifts the reading frame from isoleucine 108.
Molecular consequence: frameshift variant.
Genome position (GRCh38, 1-based): chr15:76,292,460-76,292,461, TG deleted on the plus strand (CA on the coding strand, the reverse complement: ETFA is on the minus strand); deleting any 2 consecutive bases within chr15:76,292,460-76,292,468 gives the same sequence; the c. name uses the placement nearest the transcript's 3' end. VCF-style (leftmost placement, unchanged base first): chr15-76292459-ATG-A. GRCh37 (hg19) VCF-style: chr15-76584800-ATG-A.
Other names: c.174_175del, p.Ile59fs (NM_001127716.2); short protein forms I108fs, I59fs.
Identifiers: ClinVar variation 1454663 (VCV001454663.7), dbSNP rs866218814, ClinGen allele CA2580613295.
Genomic context (GRCh38, chr15:76,292,459, plus strand): 5'-GATATCAGATTCCACATTCTCAACCTTCTCACCTTTCCGAAGGCAGATGCTCCAGCACAG[ATG>A]TGTGTGTAATTGAACTGCTTCTGAGTTGCCAAAATCAATGGTGTCAGTTCCTCTGAGAAT-3'